The following is an entry in ClinVar:

NM_007294.4(BRCA1):c.5066T>G (p.Met1689Arg)

Gene: BRCA1 (BRCA1 DNA repair associated; minus strand). Cytogenetic location: 17q21.31.
Variant type: single nucleotide variant.
Coding change: c.5066T>G on transcript NM_007294.4 (MANE Select); coding-DNA position 5066, T replaced by G.
Protein change: p.Met1689Arg; replaces methionine 1689 with arginine.
Molecular consequence: missense variant. On other transcripts: non-coding transcript variant (1).
Genome position (GRCh38, 1-based): chr17:43,067,616, A>C on the plus strand (T>G on the coding strand, the complement: BRCA1 is on the minus strand). VCF-style: chr17-43067616-A-C. GRCh37 (hg19) VCF-style: chr17-41219633-A-C.
Other names: 5185T>G; c.4925T>G, p.Met1642Arg (NM_007297.4, NM_001407692.1, NM_001407694.1 and 13 more transcripts); c.1754T>G, p.Met585Arg (NM_007298.4, NM_007299.4, NM_007304.2 and 13 more transcripts); c.5129T>G, p.Met1710Arg (NM_007300.4, NM_001407583.1, NM_001407585.1 and 1 more transcripts); c.4853T>G, p.Met1618Arg (NM_001407571.1, NM_001407894.1, NM_001407895.1 and 12 more transcripts); c.5132T>G, p.Met1711Arg (NM_001407581.1, NM_001407582.1); c.5126T>G, p.Met1709Arg (NM_001407590.1, NM_001407591.1); c.5066T>G, p.Met1689Arg (NM_001407593.1, NM_001407594.1, NM_001407596.1 and 8 more transcripts); and 71 more; short protein forms M1689R, M1642R, M585R, M1710R, M1393R, M1560R, M1562R, M1576R.
Identifiers: ClinVar variation 37625 (VCV000037625.33), dbSNP rs80357061, ClinGen allele CA003182.

ClinVar aggregate classification (germline): Pathogenic/Likely pathogenic. Review status: criteria provided, multiple submitters, no conflicts (2 of 4 stars). 12 submissions from 12 submitters: Pathogenic (7); Likely pathogenic (2). 3 of the submissions do not count toward it. Last evaluated 2025-04-14.

Conditions:
BRCA1-related disorder. Also called: BRCA1-related condition.
Hereditary cancer-predisposing syndrome. Also called: Tumor predisposition; Neoplastic Syndromes, Hereditary; Hereditary Cancer Syndrome; Hereditary neoplastic syndrome. Identifiers: Orphanet 140162, MedGen C0027672, MeSH D009386, MONDO:0015356.
Hereditary breast ovarian cancer syndrome. Also called: Hereditary breast and ovarian cancer syndrome (HBOC); Hereditary breast and ovarian cancer syndrome; Hereditary breast and ovarian cancer; Hereditary breast and/or ovarian cancer syndrome; Breast and ovarian cancer; BRCA1- and BRCA2-Associated Hereditary Breast and Ovarian Cancer. Identifiers: Orphanet 145, MedGen C0677776, MeSH D061325, MONDO:0003582. Disease mechanism: loss of function.
Breast-ovarian cancer, familial, susceptibility to, 1 (BROVCA1). Also called: OVARIAN CANCER, SUSCEPTIBILITY TO; BRCA1 Hereditary Breast and Ovarian Cancer. Identifiers: Orphanet 145, MedGen C2676676, MONDO:0011450, OMIM 604370. Disease mechanism: loss of function.

Submissions 1 to 7 of 13:

GeneDx
Classification: Pathogenic. Last evaluated: 2025-04-14. Review status: criteria provided, single submitter. Criteria: GeneDx Variant Classification Process June 2021. Collection method: clinical testing. Allele origin: germline. Affected: yes.
Comment: Multifactorial studies suggest this variant is associated with breast and ovarian cancer (PMID: 21447777, 21990165, 21990134, 17924331); Not observed at significant frequency in large population cohorts (gnomAD); In silico analysis is inconclusive as to whether the variant alters gene splicing. In the absence of RNA/functional studies, the actual effect of this sequence change is unknown.; In silico analysis supports that this missense variant has a deleterious effect on protein structure/function; Also known as 5185T>G; This variant is associated with the following publications: (PMID: 24772314, 22086652, 28888541, 28781887, 28277317, 21447777, 21990134, 25980754, 20516115, 17305420, 15235020, 19706752, 26777316, 21990165, 18992264, 27272900, 15172985, 30209399, 29446198, 30765603, 21473589, 17924331, 33087888, 32719484, 35665744, 25348405)

Ambry Genetics
Classification: Pathogenic for Hereditary cancer-predisposing syndrome. Last evaluated: 2025-01-21. Review status: criteria provided, single submitter. Criteria: Ambry Variant Classification Scheme 2023. Collection method: clinical testing. Allele origin: germline.
Comment: The c.5066T>G (p.M1689R) alteration is located in exon 16 (coding exon 15) of the BRCA1 gene. This alteration results from a T to G substitution at nucleotide position 5066, causing the methionine (M) at amino acid position 1689 to be replaced by an arginine (R). This variant was not reported in population-based cohorts in the Genome Aggregation Database (gnomAD). In one published study, this mutation was shown to segregate with disease in a large 3-generation family (Mirkovic, 2004). This alteration has been classified as likely pathogenic (p>0.9889) by multifactorial analysis (Easton, 2007; Lindor, 2012). This amino acid position is well conserved in available vertebrate species. Functional analysis demonstrated that the p.M1689R alteration lead to a loss-of-function phenotype in both yeast and mammalian transcription assays (Mirkovic, 2004). Another functional study found that this nucleotide substitution is deleterious in a high throughput genome editing haploid cell survival assay (Findlay, 2018). This alteration is predicted to be deleterious by in silico analysis. Based on the available evidence, this alteration is classified as pathogenic.

Labcorp Genetics (formerly Invitae), Labcorp
Classification: Pathogenic for Hereditary breast ovarian cancer syndrome. Last evaluated: 2024-09-12. Review status: criteria provided, single submitter. Criteria: Invitae Variant Classification Sherloc (09022015). Collection method: clinical testing. Allele origin: germline.
Comment: This sequence change replaces methionine, which is neutral and non-polar, with arginine, which is basic and polar, at codon 1689 of the BRCA1 protein (p.Met1689Arg). This variant is not present in population databases (gnomAD no frequency). This missense change has been observed in individual(s) with breast cancer (PMID: 15172985, 18703817, 25980754). It has also been observed to segregate with disease in related individuals. ClinVar contains an entry for this variant (Variation ID: 37625). Invitae Evidence Modeling incorporating data from in vitro experimental studies (PMID: 30209399) indicates that this missense variant is expected to disrupt BRCA1 function with a positive predictive value of 95%. Experimental studies have shown that this missense change affects BRCA1 function (PMID: 15172985, 20516115, 27272900). For these reasons, this variant has been classified as Pathogenic.

Mayo Clinic Laboratories, Mayo Clinic
Classification: Likely pathogenic. Last evaluated: 2023-07-25. Review status: criteria provided, single submitter. Criteria: ACMG Guidelines, 2015. Collection method: clinical testing. Allele origin: germline. Observed: 1 variant allele.
Comment: PP5, PM2_moderate, PS3

PreventionGenetics, part of Exact Sciences
Classification: Pathogenic for BRCA1-related condition. Last evaluated: 2023-04-03. Review status: criteria provided, single submitter. Criteria: ACMG Guidelines, 2015. Collection method: clinical testing. Allele origin: germline.
Comment: The BRCA1 c.5066T>G variant is predicted to result in the amino acid substitution p.Met1689Arg. This variant has been reported many times in individuals with breast cancer (see for examples Abkevich et al. 2004. PubMed ID: 15235020; Easton et al. 2007. PubMed ID: 17924331; Supp. Table 1 in Yurgelun et al. 2015. PubMed ID: 25980754). Functional analyses support the pathogenicity of this amino acid substitution (Lee et al. 2010. PubMed ID: 20516115; Table S4 in Woods et al. 2016. PubMed ID: 28781887). This variant has not been reported in a large population database, indicating this variant is rare. This variant has been interpreted as Pathogenic/Likely Pathogenic in ClinVar. This variant is interpreted as pathogenic.

Quest Diagnostics Nichols Institute San Juan Capistrano
Classification: Pathogenic. Last evaluated: 2022-11-03. Review status: criteria provided, single submitter. Criteria: Quest Diagnostics criteria. Collection method: clinical testing. Allele origin: unknown.
Comment: This variant has not been reported in large, multi-ethnic general populations. In the published literature, the variant has been reported in affected individuals and families with breast and/or ovarian cancer (PMIDs: 15172985 (2004), 16267036 (2005), and 18703817 (2008)). Experimental studies have shown that this variant is damaging to transactivation activity, protein folding stability, and phosphopeptide binding activity in both yeast and mammalian structural and functional assays (PMIDs: 14534301 (2003), 17305420 (2007), 18992264 (2009), 20516115 (2010), 21447777 (2011), 27272900 (2016), 28781887 (2016), 30209399 (2018), and 30765603 (2019)). Analysis of this variant using bioinformatics tools for the prediction of the effect of amino acid changes on protein structure and function yielded conflicting predictions that this variant is deleterious or benign. Based on the available information, this variant is classified as pathogenic.

Women's Health and Genetics/Laboratory Corporation of America, LabCorp
Classification: Pathogenic for Hereditary breast and ovarian cancer syndrome. Last evaluated: 2018-08-17. Review status: criteria provided, single submitter. Criteria: LabCorp Variant Classification Summary - May 2015. Collection method: clinical testing. Allele origin: germline.
Comment: Variant summary: BRCA1 c.5066T>G (p.Met1689Arg) results in a non-conservative amino acid change located in the BRCT domain (IPR001357) of the encoded protein sequence. Five of five in-silico tools predict a damaging effect of the variant on protein function. The variant allele was found at a frequency of 2.9e-05 in 277098 control chromosomes (gnomAD). The variant, c.5066T>G, has been reported in the literature in multiple individuals and in at-least one large multigenerational family affected with Hereditary Breast and Ovarian Cancer where it was found to co-segregate with disease (Palma_2008, Mirkovic_2004, Easton_2007). These data indicate that the variant is very likely to be associated with disease. At least one publication reports experimental evidence evaluating an impact on protein function. The most pronounced variant effect results in 10%-<30% of normal activity in multiple independent experimental systems measuring transactivation activity of BRCA1, protease sensitivity to assess protein folding stability, phosphopeptide binding activity, and phosphopeptide binding specificity (Carvalho_2007, Lee_2010, Mirkovic_2004). Four clinical diagnostic laboratories have submitted clinical-significance assessments for this variant to ClinVar after 2014 without evidence for independent evaluation. All laboratories classified the variant as pathogenic/likely pathogenic. Based on the evidence outlined above, the variant was classified as pathogenic.